The following is an entry in ClinVar:

ClinVar aggregate classification (germline): Pathogenic. Review status: criteria provided, single submitter (1 of 4 stars). 2 submissions from 2 submitters: Pathogenic (1). 1 of the submissions does not count toward it. Last evaluated 2024-05-14.

Conditions:
Multiple sulfatase deficiency (MSD). Also called: Multiple Sulfatase Deficiency Disease; Sulfatidosis, Juvenile, Austin Type; Mucosulfatidosis. Identifiers: Orphanet 585, MedGen C0268263, MONDO:0010088, OMIM 272200.

Submissions (2):

Myriad Genetics, Inc.
Classification: Pathogenic for Multiple sulfatase deficiency. Last evaluated: 2024-05-14. Review status: criteria provided, single submitter. Criteria: Myriad Autosomal Dominant, Autosomal Recessive and X-Linked Classification Criteria (2023). Collection method: clinical testing. Allele origin: unknown.
Comment: NM_182760.3(SUMF1):c.661delG(A221Qfs*47) is expected to be pathogenic in the context of multiple sulfatase deficiency. This variant is predicted to lead to an abnormal or absent protein product due to the creation of a premature termination codon in SUMF1, a gene where loss-of-function variants are known to be pathogenic. Please note: this variant was assessed in the context of healthy population screening.

OMIM
Classification: Pathogenic for MULTIPLE SULFATASE DEFICIENCY. Last evaluated: 2003-05-16. Review status: no assertion criteria provided. Collection method: literature only. Allele origin: germline. Not counted in ClinVar's aggregate classification.

Literature cited by the submitters: PubMed 12757705 (cited by OMIM); PubMed 12757706 (cited by OMIM); PubMed 3100114 (cited by OMIM).

NM_182760.4(SUMF1):c.661del (p.Ala221fs)

Gene: SUMF1 (sulfatase modifying factor 1; minus strand). Cytogenetic location: 3p26.1.
Variant type: Deletion.
Coding change: c.661del on transcript NM_182760.4 (MANE Select); coding-DNA position 661, one base deleted (G; older notation c.661delG).
Protein change: p.Ala221fs; shifts the reading frame from alanine 221.
Molecular consequence: frameshift variant.
Genome position (GRCh38, 1-based): chr3:4,418,074, C deleted on the plus strand (G on the coding strand, the reverse complement: SUMF1 is on the minus strand); the first of 3 consecutive C bases (chr3:4,418,074-4,418,076); deleting any one gives the same sequence. VCF-style (leftmost placement, unchanged base first): chr3-4418073-GC-G. GRCh37 (hg19) VCF-style: chr3-4459757-GC-G.
Other names: c.586del, p.Ala196fs (NM_001164674.2); c.661del, p.Ala221fs (NM_001164675.2); short protein forms A196fs, A221fs.
Identifiers: ClinVar variation 2671 (VCV000002671.2), dbSNP rs770241913, ClinGen allele CA212800.